The following is an entry in ClinVar:

NM_015176.4(FBXO28):c.-1G>C

Genes: FBXO28 (F-box protein 28; plus strand), LOC129932579 (ATAC-STARR-seq lymphoblastoid active region 2598; plus strand). Cytogenetic location: 1q42.11.
Variant type: single nucleotide variant.
Coding change: c.-1G>C on transcript NM_015176.4 (MANE Select); 1 bases upstream of the start codon, G replaced by C.
Molecular consequence: 5 prime UTR variant. On other transcripts: non-coding transcript variant (1).
Genome position (GRCh38, 1-based): chr1:224,114,129, G>C. VCF-style: chr1-224114129-G-C. GRCh37 (hg19) VCF-style: chr1-224301831-G-C.
Other names: c.-1G>C (NM_001136115.3).
Identifiers: ClinVar variation 3040966 (VCV003040966.2), dbSNP rs201043643, ClinGen allele CA1413340.

ClinVar aggregate classification (germline): Likely benign (0 of 4 stars; one submission).

Conditions:
FBXO28-related disorder. Also called: FBXO28-related condition.

Allele frequency attached by ClinVar (database versions not stated): 1000 Genomes Project 30x 0.00016.
gnomAD v4.1: 204 of 1,538,754 alleles (0.013%); highest among the groups gnomAD compares: Admixed American, 0.19%; no homozygotes.

Submission:

PreventionGenetics, part of Exact Sciences
Classification: Likely benign for FBXO28-related condition. Last evaluated: 2019-09-10. Review status: no assertion criteria provided. Collection method: clinical testing. Allele origin: germline.
Comment: This variant is classified as likely benign based on ACMG/AMP sequence variant interpretation guidelines (Richards et al. 2015 PMID: 25741868, with internal and published modifications).